The following is an entry in ClinVar:

NM_001089.3(ABCA3):c.1153_1173dup (p.Phe391_Val392insThrTyrIleProTyrPhePhe)

Gene: ABCA3 (ATP binding cassette subfamily A member 3; minus strand). Cytogenetic location: 16p13.3.
Variant type: Duplication.
Coding change: c.1153_1173dup on transcript NM_001089.3 (MANE Select); coding-DNA positions 1153 to 1173, 21 bases duplicated (ACCTACATCCCCTACTTCTTC).
Protein change: p.Phe391_Val392insThrTyrIleProTyrPhePhe.
Genome position (GRCh38, 1-based): chr16:2,308,562-2,308,582, GAAGAAGTAGGGGATGTAGGT duplicated on the plus strand (ACCTACATCCCCTACTTCTTC on the coding strand, the reverse complement: ABCA3 is on the minus strand); duplicating any 21 consecutive bases within chr16:2,308,562-2,308,592 gives the same sequence; the c. name uses the placement nearest the transcript's 3' end. VCF-style (leftmost placement, unchanged base first): chr16-2308561-C-CGAAGAAGTAGGGGATGTAGGT. GRCh37 (hg19) VCF-style: chr16-2358562-C-CGAAGAAGTAGGGGATGTAGGT.
Identifiers: ClinVar variation 4088198 (VCV004088198.1).

ClinVar aggregate classification (germline): Uncertain significance (1 of 4 stars; one submission).

Submission:

GeneDx
Classification: Uncertain significance. Last evaluated: 2025-03-24. Review status: criteria provided, single submitter. Criteria: GeneDx Variant Classification Process June 2021. Collection method: clinical testing. Allele origin: germline. Affected: yes.
Comment: Not observed at significant frequency in large population cohorts (gnomAD); In-frame duplication of 7 amino acid(s) in a non-repeat region; In silico analysis indicates that this variant does not alter protein structure/function; Has not been previously published as pathogenic or benign to our knowledge